The following is an entry in ClinVar:

NM_001374675.1(HSF4):c.1013G>A (p.Ser338Asn)

Gene: HSF4 (heat shock transcription factor 4; plus strand). Cytogenetic location: 16q22.1.
Variant type: single nucleotide variant.
Coding change: c.1013G>A on transcript NM_001374675.1 (MANE Select); coding-DNA position 1013, G replaced by A.
Protein change: p.Ser338Asn; replaces serine 338 with asparagine.
Molecular consequence: missense variant.
Genome position (GRCh38, 1-based): chr16:67,167,878, G>A. VCF-style: chr16-67167878-G-A. GRCh37 (hg19) VCF-style: chr16-67201781-G-A.
Other names: c.1013G>A, p.Ser338Asn (NM_001040667.3); c.923G>A, p.Ser308Asn (NM_001374674.1, NM_001538.4); short protein forms S338N, S308N.
Identifiers: ClinVar variation 3668767 (VCV003668767.2).

ClinVar aggregate classification (germline): Uncertain significance (1 of 4 stars; one submission).

Conditions:
Cataract 5 multiple types (CTRCT5). Also called: CATARACT, MARNER TYPE; CATARACT 5, LAMELLAR; Lamellar cataract. Identifiers: Orphanet 91492, MedGen C0266537, MONDO:0007290, OMIM 116800, HP:0007971.

Submission:

Labcorp Genetics (formerly Invitae), Labcorp
Classification: Uncertain significance for Cataract 5 multiple types. Last evaluated: 2024-09-08. Review status: criteria provided, single submitter. Criteria: Invitae Variant Classification Sherloc (09022015). Collection method: clinical testing. Allele origin: germline.
Comment: This sequence change replaces serine, which is neutral and polar, with asparagine, which is neutral and polar, at codon 308 of the HSF4 protein (p.Ser308Asn). The frequency data for this variant in the population databases is considered unreliable, as metrics indicate poor data quality at this position in the gnomAD database. This variant has not been reported in the literature in individuals affected with HSF4-related conditions. Invitae Evidence Modeling of protein sequence and biophysical properties (such as structural, functional, and spatial information, amino acid conservation, physicochemical variation, residue mobility, and thermodynamic stability) indicates that this missense variant is not expected to disrupt HSF4 protein function with a negative predictive value of 80%. In summary, the available evidence is currently insufficient to determine the role of this variant in disease. Therefore, it has been classified as a Variant of Uncertain Significance.